The following is an entry in ClinVar:

ClinVar aggregate classification (germline): Benign. Review status: criteria provided, multiple submitters, no conflicts (2 of 4 stars). 10 submissions from 10 submitters: Benign (7). 3 of the submissions do not count toward it. Last evaluated 2026-02-03.

Conditions:
Oculofaciocardiodental syndrome (MCOPS2). Identifiers: Orphanet 2712, MedGen C1846265, MONDO:0010261, OMIM 300166.
Inborn genetic diseases. Identifiers: MedGen C0950123, MeSH D030342.

Allele frequency attached by ClinVar (database versions not stated): 1000 Genomes Project 0.13669; 1000 Genomes Project 30x 0.13944; gnomAD exomes 0.14900; ExAC 0.15765; gnomAD 0.16776 and 0.16998; TOPMed 0.16899; ESP Exome Variant Server 0.19072.
gnomAD v4.1: 216,496 of 1,205,271 alleles (18%); highest among the groups gnomAD compares: Middle Eastern, 26%; 14,154 homozygotes.

Submissions (10):

Labcorp Genetics (formerly Invitae), Labcorp
Classification: Benign for Oculofaciocardiodental syndrome. Last evaluated: 2026-02-03. Review status: criteria provided, single submitter. Criteria: Invitae Variant Classification Sherloc (09022015). Collection method: clinical testing. Allele origin: germline.

Blueprint Genetics
Classification: Benign. Last evaluated: 2024-11-28. Review status: criteria provided, single submitter. Criteria: ACMG Guidelines, 2015. Collection method: clinical testing. Allele origin: germline.

Genome-Nilou Lab
Classification: Benign for Oculofaciocardiodental syndrome. Last evaluated: 2021-07-14. Review status: criteria provided, single submitter. Criteria: ACMG Guidelines, 2015. Collection method: clinical testing. Allele origin: germline. Affected: no.

Ambry Genetics
Classification: Benign for Inborn genetic diseases. Last evaluated: 2014-11-24. Review status: criteria provided, single submitter. Criteria: Ambry Variant Classification Scheme 2023. Collection method: clinical testing. Allele origin: germline.

Eurofins Ntd Llc (ga)
Classification: Benign. Last evaluated: 2014-05-06. Review status: criteria provided, single submitter. Criteria: EGL Classification Definitions 2015. Collection method: clinical testing. Allele origin: germline. Observed: 5 variant alleles, 2 heterozygotes, 3 hemizygotes.

Breakthrough Genomics
Classification: Benign. Review status: criteria provided, single submitter. Criteria: ACMG Guidelines, 2015. Collection method: not provided. Allele origin: germline. Inheritance: X-linked inheritance. Affected: yes.

PreventionGenetics, part of Exact Sciences
Classification: Benign. Review status: criteria provided, single submitter. Criteria: ACMG Guidelines, 2015. Collection method: clinical testing. Allele origin: germline.

Diagnostic Laboratory, Department of Genetics, University Medical Center Groningen
Classification: Benign for Oculofaciocardiodental syndrome. Review status: no assertion criteria provided. Collection method: clinical testing. Allele origin: germline. Affected: yes. Study: VKGL Data-share Consensus. Not counted in ClinVar's aggregate classification.

Genetic Services Laboratory, University of Chicago
Classification: Likely benign for AllHighlyPenetrant. Review status: no assertion criteria provided. Collection method: clinical testing. Allele origin: germline. Inheritance: X-linked inheritance. Not counted in ClinVar's aggregate classification.
Comment: Likely benign based on allele frequency in 1000 Genomes Project or ESP global frequency and its presence in a patient with a rare or unrelated disease phenotype. NOT Sanger confirmed.

Genome Diagnostics Laboratory, University Medical Center Utrecht
Classification: Benign. Review status: no assertion criteria provided. Collection method: clinical testing. Allele origin: germline. Affected: yes. Study: VKGL Data-share Consensus. Not counted in ClinVar's aggregate classification.

NM_001123385.2(BCOR):c.4977-4G>T

Gene: BCOR (BCL6 corepressor; minus strand). Cytogenetic location: Xp11.4.
Variant type: single nucleotide variant.
Coding change: c.4977-4G>T on transcript NM_001123385.2 (MANE Select); 4 bases into the intron before coding-DNA position 4977, G replaced by T.
Molecular consequence: intron variant.
Genome position (GRCh38, 1-based): chrX:40,052,404, C>A on the plus strand (G>T on the coding strand, the complement: BCOR is on the minus strand). VCF-style: chrX-40052404-C-A. GRCh37 (hg19) VCF-style: chrX-39911657-C-A.
Other names: c.4821-4G>T (NM_001123384.2); c.4923-4G>T (NM_001438207.1); c.4875-4G>T (NM_001123383.2, NM_001438208.1, NM_017745.6); c.4977-4G>T (NM_001437510.1); c.*45-4G>T (NM_001437511.1).
Identifiers: ClinVar variation 95772 (VCV000095772.28), dbSNP rs5963725, ClinGen allele CA148843.